The following is an entry in ClinVar:

NM_025137.4(SPG11):c.5215A>C (p.Lys1739Gln)

Gene: SPG11 (SPG11 vesicle trafficking associated, spatacsin; minus strand). Cytogenetic location: 15q21.1.
Variant type: single nucleotide variant.
Coding change: c.5215A>C on transcript NM_025137.4 (MANE Select); coding-DNA position 5215, A replaced by C.
Protein change: p.Lys1739Gln; replaces lysine 1739 with glutamine.
Molecular consequence: missense variant.
Genome position (GRCh38, 1-based): chr15:44,584,465, T>G on the plus strand (A>C on the coding strand, the complement: SPG11 is on the minus strand). VCF-style: chr15-44584465-T-G. GRCh37 (hg19) VCF-style: chr15-44876663-T-G.
Other names: c.5215A>C, p.Lys1739Gln (NM_001160227.2); short protein forms K1739Q.
Identifiers: ClinVar variation 1932046 (VCV001932046.5), dbSNP rs2505293543, ClinGen allele CA392223032.

ClinVar aggregate classification (germline): Uncertain significance (1 of 4 stars; one submission).

Conditions:
Hereditary spastic paraplegia 11. Also called: Nakamura Osame syndrome; Autosomal recessive hereditary spastic paraplegia, mental impairment, and thin corpus callosum; SPASTIC PARAPLEGIA, AUTOSOMAL RECESSIVE, COMPLICATED, WITH THIN CORPUS CALLOSUM; SPASTIC PARAPLEGIA, AUTOSOMAL RECESSIVE, WITH MENTAL IMPAIRMENT AND THIN CORPUS CALLOSUM; Spastic Paraplegia 11; Spastic paraplegia, mental retardation and thin corpus callosum. Identifiers: Orphanet 2822, MedGen C1858479, MONDO:0011445, OMIM 604360.

Submission:

Labcorp Genetics (formerly Invitae), Labcorp
Classification: Uncertain significance for Hereditary spastic paraplegia 11. Last evaluated: 2022-02-08. Review status: criteria provided, single submitter. Criteria: Invitae Variant Classification Sherloc (09022015). Collection method: clinical testing. Allele origin: germline.
Comment: This variant has not been reported in the literature in individuals affected with SPG11-related conditions. This sequence change replaces lysine, which is basic and polar, with glutamine, which is neutral and polar, at codon 1739 of the SPG11 protein (p.Lys1739Gln). This variant is not present in population databases (gnomAD no frequency). Algorithms developed to predict the effect of missense changes on protein structure and function output the following: SIFT: "Tolerated"; PolyPhen-2: "Benign"; Align-GVGD: "Class C0". The glutamine amino acid residue is found in multiple mammalian species, which suggests that this missense change does not adversely affect protein function. In summary, the available evidence is currently insufficient to determine the role of this variant in disease. Therefore, it has been classified as a Variant of Uncertain Significance.